The following is an entry in ClinVar:

ClinVar aggregate classification (germline): Likely benign (1 of 4 stars; one submission).

Conditions:
Behavior disorder. Also called: Behavioral disorder. Identifiers: MedGen C0004930.

Allele frequency attached by ClinVar (database versions not stated): gnomAD exomes 0.00006 and 0.00014; ExAC 0.00007; gnomAD 0.00007; ESP Exome Variant Server 0.00008; TOPMed 0.00008.
gnomAD v4.1: 219 of 1,613,694 alleles (0.014%); highest among the groups gnomAD compares: Non-Finnish European, 0.017%; no homozygotes.

Submission:

Illumina Laboratory Services, Illumina
Classification: Likely benign for Behavior disorder. Last evaluated: 2017-08-08. Review status: criteria provided, single submitter. Criteria: ICSL Variant Classification Criteria 13 December 2019. Collection method: clinical testing. Allele origin: germline.
Comment: This variant was observed as part of a predisposition screen in an ostensibly healthy population. A literature search was performed for the gene, cDNA change, and amino acid change (where applicable). Publications were found based on this search. The evidence from the literature, in combination with allele frequency data from public databases where available, was sufficient to determine this variant is unlikely to cause disease. Therefore, this variant is classified as likely benign.

Literature cited by the submitters: PubMed 19360675.

NM_001045.6(SLC6A4):c.1368C>T (p.His456=)

Gene: SLC6A4 (solute carrier family 6 member 4; minus strand). Cytogenetic location: 17q11.2.
Variant type: single nucleotide variant.
Coding change: c.1368C>T on transcript NM_001045.6 (MANE Select); coding-DNA position 1368, C replaced by T.
Protein change: p.His456=; no amino-acid change (histidine 456 retained).
Molecular consequence: synonymous variant.
Genome position (GRCh38, 1-based): chr17:30,210,596, G>A on the plus strand (C>T on the coding strand, the complement: SLC6A4 is on the minus strand). VCF-style: chr17-30210596-G-A. GRCh37 (hg19) VCF-style: chr17-28537614-G-A.
Identifiers: ClinVar variation 891752 (VCV000891752.4), dbSNP rs201659393, ClinGen allele CA8480185.